The following is an entry in ClinVar:

NM_001267550.2(TTN):c.25639+182A>T

Gene: TTN (titin; minus strand). Cytogenetic location: 2q31.2.
Variant type: single nucleotide variant.
Coding change: c.25639+182A>T on transcript NM_001267550.2 (MANE Select); 182 bases into the intron after coding-DNA position 25639, A replaced by T.
Molecular consequence: intron variant.
Genome position (GRCh38, 1-based): chr2:178,716,913, T>A on the plus strand (A>T on the coding strand, the complement: TTN is on the minus strand). VCF-style: chr2-178716913-T-A. GRCh37 (hg19) VCF-style: chr2-179581640-T-A.
Other names: c.13282+21169A>T (NM_003319.4); c.13858+21169A>T (NM_133437.4); c.13657+21169A>T (NM_133432.3); c.21907+182A>T (NM_133378.4); c.24688+182A>T (NM_001256850.1).
Identifiers: ClinVar variation 673095 (VCV000673095.2), dbSNP rs2562833, ClinGen allele CA11260886.

ClinVar aggregate classification (germline): Benign. Review status: criteria provided, multiple submitters, no conflicts (2 of 4 stars). 2 submissions from 2 submitters: Benign (2). Last evaluated 2018-06-19.

Allele frequency attached by ClinVar (database versions not stated): gnomAD 0.14249 and 0.14447; TOPMed 0.15289; 1000 Genomes Project 0.20787.
gnomAD v4.1: 21,529 of 149,732 alleles (14%); highest among the groups gnomAD compares: African/African-American, 28%; 2,259 homozygotes.

Submissions (2):

GeneDx
Classification: Benign. Last evaluated: 2018-06-19. Review status: criteria provided, single submitter. Criteria: GeneDx Variant Classification (06012015). Collection method: clinical testing. Allele origin: germline. Affected: yes.
Comment: This variant is considered likely benign or benign based on one or more of the following criteria: it is a conservative change, it occurs at a poorly conserved position in the protein, it is predicted to be benign by multiple in silico algorithms, and/or has population frequency not consistent with disease.

Breakthrough Genomics
Classification: Benign. Review status: criteria provided, single submitter. Criteria: ACMG Guidelines, 2015. Collection method: not provided. Allele origin: germline. Inheritance: Autosomal recessive inheritance. Affected: yes.